The following is an entry in ClinVar:

ClinVar aggregate classification (germline): Conflicting classifications of pathogenicity. Review status: criteria provided, conflicting classifications (1 of 4 stars). 5 submissions from 5 submitters: Uncertain significance (4); Likely benign (1). Last evaluated 2025-11-16.

Conditions:
Saldino-Mainzer syndrome (SRTD9). Also called: SHORT-RIB THORACIC DYSPLASIA 9 WITHOUT POLYDACTYLY; Renal dysplasia, retinal pigmentary dystrophy, cerebellar ataxia and skeletal dysplasia; short-rib thoracic dysplasia 9 with or without polydactyly; CONORENAL SYNDROME. Identifiers: Orphanet 140969, MedGen C1849437, MONDO:0009964, OMIM 266920.
Retinitis pigmentosa 80 (RP80). Identifiers: MedGen C4540439, MONDO:0054708, OMIM 617781.
Inborn genetic diseases. Identifiers: MedGen C0950123, MeSH D030342.

Allele frequency attached by ClinVar (database versions not stated): gnomAD 0.00001 and 0.00003; gnomAD exomes 0.00001 and 0.00003; TOPMed 0.00002; ExAC 0.00004; ESP Exome Variant Server 0.00008.
gnomAD v4.1: 14 of 1,600,924 alleles (0.00087%); highest among the groups gnomAD compares: South Asian, 0.0045%; no homozygotes.

Submissions (5):

Labcorp Genetics (formerly Invitae), Labcorp
Classification: Likely benign for Saldino-Mainzer syndrome. Last evaluated: 2025-11-16. Review status: criteria provided, single submitter. Criteria: Invitae Variant Classification Sherloc (09022015). Collection method: clinical testing. Allele origin: germline.

Blueprint Genetics
Classification: Uncertain significance. Last evaluated: 2024-06-19. Review status: criteria provided, single submitter. Criteria: ACMG Guidelines, 2015. Collection method: clinical testing. Allele origin: germline.

CeGaT Center for Human Genetics Tuebingen
Classification: Uncertain significance. Last evaluated: 2023-11-01. Review status: criteria provided, single submitter. Criteria: CeGaT Center For Human Genetics Tuebingen Variant Classification Criteria Version 2. Collection method: clinical testing. Allele origin: germline. Affected: yes. Observed: 1 variant allele.
Comment: IFT140: PM5, BP4

Ambry Genetics
Classification: Uncertain significance for Inborn genetic diseases. Last evaluated: 2023-04-05. Review status: criteria provided, single submitter. Criteria: Ambry Variant Classification Scheme 2023. Collection method: clinical testing. Allele origin: germline.

Fulgent Genetics
Classification: Uncertain significance for Saldino-Mainzer syndrome; Retinitis pigmentosa 80. Last evaluated: 2021-12-17. Review status: criteria provided, single submitter. Criteria: ACMG Guidelines, 2015. Collection method: clinical testing. Allele origin: unknown.

NM_014714.4(IFT140):c.3989C>T (p.Ala1330Val)

Gene: IFT140 (intraflagellar transport 140; minus strand). Cytogenetic location: 16p13.3.
Variant type: single nucleotide variant.
Coding change: c.3989C>T on transcript NM_014714.4 (MANE Select); coding-DNA position 3989, C replaced by T.
Protein change: p.Ala1330Val; replaces alanine 1330 with valine.
Molecular consequence: missense variant.
Genome position (GRCh38, 1-based): chr16:1,519,932, G>A on the plus strand (C>T on the coding strand, the complement: IFT140 is on the minus strand). VCF-style: chr16-1519932-G-A. GRCh37 (hg19) VCF-style: chr16-1569933-G-A.
Other names: short protein forms A1330V.
Identifiers: ClinVar variation 964290 (VCV000964290.36), dbSNP rs376151586, ClinGen allele CA7812960.